The following is an entry in ClinVar:

NM_003482.4(KMT2D):c.1449G>A (p.Leu483=)

Gene: KMT2D (lysine methyltransferase 2D; minus strand). Cytogenetic location: 12q13.12.
Variant type: single nucleotide variant.
Coding change: c.1449G>A on transcript NM_003482.4 (MANE Select); coding-DNA position 1449, G replaced by A.
Protein change: p.Leu483=; no amino-acid change (leucine 483 retained).
Molecular consequence: synonymous variant.
Genome position (GRCh38, 1-based): chr12:49,052,234, C>T on the plus strand (G>A on the coding strand, the complement: KMT2D is on the minus strand). VCF-style: chr12-49052234-C-T. GRCh37 (hg19) VCF-style: chr12-49446017-C-T.
Identifiers: ClinVar variation 3045788 (VCV003045788.2), dbSNP rs2120683579, ClinGen allele CA479714923.

ClinVar aggregate classification (germline): Likely benign (0 of 4 stars; one submission).

Conditions:
KMT2D-related disorder. Also called: KMT2D-Related Disorders.

Allele frequency attached by ClinVar (database versions not stated): gnomAD exomes below 0.00001.
gnomAD v4.1: 2 of 1,603,814 alleles (0.00012%); highest among the groups gnomAD compares: Non-Finnish European, 0.00017%; no homozygotes.

Submission:

PreventionGenetics, part of Exact Sciences
Classification: Likely benign for KMT2D-related condition. Last evaluated: 2023-11-10. Review status: no assertion criteria provided. Collection method: clinical testing. Allele origin: germline.
Comment: This variant is classified as likely benign based on ACMG/AMP sequence variant interpretation guidelines (Richards et al. 2015 PMID: 25741868, with internal and published modifications).